The following is an entry in ClinVar:

NM_153704.6(TMEM67):c.1289-8A>T

Gene: TMEM67 (transmembrane protein 67; plus strand). Cytogenetic location: 8q22.1.
Variant type: single nucleotide variant.
Coding change: c.1289-8A>T on transcript NM_153704.6 (MANE Select); 8 bases into the intron before coding-DNA position 1289, A replaced by T.
Molecular consequence: intron variant.
Genome position (GRCh38, 1-based): chr8:93,786,215, A>T. VCF-style: chr8-93786215-A-T. GRCh37 (hg19) VCF-style: chr8-94798443-A-T.
Other names: c.1046-8A>T (NM_001142301.1); c.1289-8A>T (NM_153704.5).
Identifiers: ClinVar variation 1973898 (VCV001973898.7), dbSNP rs1814088796, ClinGen allele CA1803227921.

ClinVar aggregate classification (germline): Likely benign. Review status: criteria provided, single submitter (1 of 4 stars). 2 submissions from 2 submitters: Likely benign (1). 1 of the submissions does not count toward it. Last evaluated 2022-07-20.

Conditions:
TMEM67-related disorder. Also called: TMEM67-related disorders; TMEM67-related condition. Identifiers: MedGen CN239423.
Joubert syndrome. Also called: Familial aplasia of the vermis; JOUBERT-BOLTSHAUSER SYNDROME. Identifiers: Orphanet 475, MedGen C5979921, MONDO:0018772.
Meckel-Gruber syndrome. Also called: Dysencephalia splachnocystica; DYSENCEPHALIA SPLANCHNOCYSTICA; GRUBER SYNDROME. Identifiers: Orphanet 564, MedGen C0265215, MONDO:0018921.

Submissions (2):

Labcorp Genetics (formerly Invitae), Labcorp
Classification: Likely benign for Joubert syndrome; Meckel-Gruber syndrome. Last evaluated: 2022-07-20. Review status: criteria provided, single submitter. Criteria: Invitae Variant Classification Sherloc (09022015). Collection method: clinical testing. Allele origin: germline.

PreventionGenetics, part of Exact Sciences
Classification: Likely benign for TMEM67-related condition. Last evaluated: 2020-08-24. Review status: no assertion criteria provided. Collection method: clinical testing. Allele origin: germline. Not counted in ClinVar's aggregate classification.
Comment: This variant is classified as likely benign based on ACMG/AMP sequence variant interpretation guidelines (Richards et al. 2015 PMID: 25741868, with internal and published modifications).